The following is an entry in ClinVar:

ClinVar aggregate classification (germline): Uncertain significance (1 of 4 stars; one submission).

Submission:

Labcorp Genetics (formerly Invitae), Labcorp
Classification: Uncertain significance. Last evaluated: 2022-08-16. Review status: criteria provided, single submitter. Criteria: Invitae Variant Classification Sherloc (09022015). Collection method: clinical testing. Allele origin: germline.
Comment: This sequence change replaces methionine, which is neutral and non-polar, with threonine, which is neutral and polar, at codon 499 of the PPP2R5D protein (p.Met499Thr). This variant is not present in population databases (gnomAD no frequency). This variant has not been reported in the literature in individuals affected with PPP2R5D-related conditions. ClinVar contains an entry for this variant (Variation ID: 1477554). Algorithms developed to predict the effect of missense changes on protein structure and function (SIFT, PolyPhen-2, Align-GVGD) all suggest that this variant is likely to be tolerated. In summary, the available evidence is currently insufficient to determine the role of this variant in disease. Therefore, it has been classified as a Variant of Uncertain Significance.

NM_006245.4(PPP2R5D):c.1496T>C (p.Met499Thr)

Gene: PPP2R5D (protein phosphatase 2 regulatory subunit B'delta; plus strand). Cytogenetic location: 6p21.1.
Variant type: single nucleotide variant.
Coding change: c.1496T>C on transcript NM_006245.4 (MANE Select); coding-DNA position 1496, T replaced by C.
Protein change: p.Met499Thr; replaces methionine 499 with threonine.
Molecular consequence: missense variant.
Genome position (GRCh38, 1-based): chr6:43,010,678, T>C. VCF-style: chr6-43010678-T-C. GRCh37 (hg19) VCF-style: chr6-42978416-T-C.
Other names: c.1043T>C, p.Met348Thr (NM_001270476.2); c.1400T>C, p.Met467Thr (NM_180976.3); c.1178T>C, p.Met393Thr (NM_180977.3); short protein forms M393T, M348T, M467T, M499T.
Identifiers: ClinVar variation 1477554 (VCV001477554.8), dbSNP rs1762307869, ClinGen allele CA364142116.